The following is an entry in ClinVar:

NM_014956.5(CEP164):c.2186T>G (p.Ile729Arg)

Gene: CEP164 (centrosomal protein 164; plus strand). Cytogenetic location: 11q23.3.
Variant type: single nucleotide variant.
Coding change: c.2186T>G on transcript NM_014956.5 (MANE Select); coding-DNA position 2186, T replaced by G.
Protein change: p.Ile729Arg; replaces isoleucine 729 with arginine.
Molecular consequence: missense variant.
Genome position (GRCh38, 1-based): chr11:117,391,118, T>G. VCF-style: chr11-117391118-T-G. GRCh37 (hg19) VCF-style: chr11-117261834-T-G.
Other names: c.2195T>G, p.Ile732Arg (NM_001271933.2); c.2186T>G (NM_014956.4); short protein forms I729R, I732R.
Identifiers: ClinVar variation 2053651 (VCV002053651.5), dbSNP rs778483846, ClinGen allele CA382723319.
Genomic context (GRCh38, chr11:117,391,118, plus strand): 5'-CTGAGAGGGCCAGCTTGGAACAGAAAAATAGGCAAATGCTGGAGCAGCTCAAGGAAGAGA[T>G]AGAGGCTTCGGAGAAGAGCGAGCAGGCTGCCCTGAATGCTGCAAAGGAGAAGGCTCTGCA-3'
Protein context (NP_055771.4, residues 719-739): RQMLEQLKEE[Ile729Arg]EASEKSEQAA

ClinVar aggregate classification (germline): Uncertain significance. Review status: criteria provided, multiple submitters, no conflicts (2 of 4 stars). 2 submissions from 2 submitters: Uncertain significance (2). Last evaluated 2025-03-31.

Conditions:
CEP164-related disorder. Also called: CEP164-related condition.
Nephronophthisis 15 (NPHP15). Identifiers: Orphanet 3156, MedGen C3541853, MONDO:0013917, OMIM 614845.

gnomAD v4.1: 2 of 1,613,772 alleles (0.00012%); highest among the groups gnomAD compares: Admixed American, 0.0033%; no homozygotes.

Submissions (2):

Labcorp Genetics (formerly Invitae), Labcorp
Classification: Uncertain significance for Nephronophthisis 15. Last evaluated: 2025-03-31. Review status: criteria provided, single submitter. Criteria: Invitae Variant Classification Sherloc (09022015). Collection method: clinical testing. Allele origin: germline.
Comment: This sequence change replaces isoleucine, which is neutral and non-polar, with arginine, which is basic and polar, at codon 729 of the CEP164 protein (p.Ile729Arg). This variant is not present in population databases (gnomAD no frequency). This variant has not been reported in the literature in individuals affected with CEP164-related conditions. ClinVar contains an entry for this variant (Variation ID: 2053651). Invitae Evidence Modeling of protein sequence and biophysical properties (such as structural, functional, and spatial information, amino acid conservation, physicochemical variation, residue mobility, and thermodynamic stability) indicates that this missense variant is not expected to disrupt CEP164 protein function with a negative predictive value of 80%. In summary, the available evidence is currently insufficient to determine the role of this variant in disease. Therefore, it has been classified as a Variant of Uncertain Significance.

PreventionGenetics, part of Exact Sciences
Classification: Uncertain significance for CEP164-related condition. Last evaluated: 2025-02-18. Review status: criteria provided, single submitter. Criteria: ACMG Guidelines, 2015. Collection method: clinical testing. Allele origin: germline.
Comment: The CEP164 c.2186T>G variant is predicted to result in the amino acid substitution p.Ile729Arg. To our knowledge, this variant has not been reported in the literature or in a large population database (gnomAD), indicating this variant is rare. At this time, the clinical significance of this variant is uncertain due to the absence of conclusive functional and genetic evidence.